The following is an entry in ClinVar:

NM_001203.3(BMPR1B):c.746A>T (p.Gln249Leu)

Gene: BMPR1B (bone morphogenetic protein receptor type 1B; plus strand). Cytogenetic location: 4q22.3.
Variant type: single nucleotide variant.
Coding change: c.746A>T on transcript NM_001203.3 (MANE Select); coding-DNA position 746, A replaced by T.
Protein change: p.Gln249Leu; replaces glutamine 249 with leucine.
Molecular consequence: missense variant.
Genome position (GRCh38, 1-based): chr4:95,130,022, A>T. VCF-style: chr4-95130022-A-T. GRCh37 (hg19) VCF-style: chr4-96051173-A-T.
Other names: c.746A>T (NM_001203.2); c.746A>T, p.Gln249Leu (NM_001256792.2, NM_001256794.1); c.836A>T, p.Gln279Leu (NM_001256793.2); short protein forms Q249L, Q279L.
Identifiers: ClinVar variation 1510704 (VCV001510704.9), dbSNP rs187868598, ClinGen allele CA3015081.

ClinVar aggregate classification (germline): Uncertain significance. Review status: criteria provided, multiple submitters, no conflicts (2 of 4 stars). 2 submissions from 2 submitters: Uncertain significance (2). Last evaluated 2021-10-05.

Conditions:
Inborn genetic diseases. Identifiers: MedGen C0950123, MeSH D030342.
Type A2 brachydactyly (BDA2). Also called: Brachymesophalangy type 2; BRACHYMESOPHALANGY II; MOHR-WRIEDT TYPE BRACHYDACTYLY. Identifiers: Orphanet 93396, MedGen C1832702, MONDO:0007216, OMIM 112600, HP:0009372.
Acromesomelic dysplasia 3 (AMD3). Also called: CHONDRODYSPLASIA, ACROMESOMELIC, WITH OR WITHOUT GENITAL ANOMALIES; Acromesomelic dysplasia, Demirhan type. Identifiers: MedGen C4225404, MONDO:0012274, OMIM 609441.

Allele frequency attached by ClinVar (database versions not stated): gnomAD 0.00001; ExAC 0.00002; 1000 Genomes Project 30x 0.00047.
gnomAD v4.1: 19 of 1,613,944 alleles (0.0012%); highest among the groups gnomAD compares: East Asian, 0.0022%; no homozygotes.

Submissions (2):

Ambry Genetics
Classification: Uncertain significance for Inborn genetic diseases. Last evaluated: 2021-10-05. Review status: criteria provided, single submitter. Criteria: Ambry Variant Classification Scheme 2023. Collection method: clinical testing. Allele origin: germline.

Labcorp Genetics (formerly Invitae), Labcorp
Classification: Uncertain significance for Type A2 brachydactyly; Acromesomelic dysplasia 3. Last evaluated: 2021-07-08. Review status: criteria provided, single submitter. Criteria: Invitae Variant Classification Sherloc (09022015). Collection method: clinical testing. Allele origin: germline.
Comment: This variant is present in population databases (rs187868598, ExAC 0.01%). This variant has not been reported in the literature in individuals affected with BMPR1B-related conditions. Advanced modeling of protein sequence and biophysical properties (such as structural, functional, and spatial information, amino acid conservation, physicochemical variation, residue mobility, and thermodynamic stability) performed at Invitae indicates that this missense variant is expected to disrupt BMPR1B protein function. In summary, the available evidence is currently insufficient to determine the role of this variant in disease. Therefore, it has been classified as a Variant of Uncertain Significance. This sequence change replaces glutamine with leucine at codon 249 of the BMPR1B protein (p.Gln249Leu). The glutamine residue is highly conserved and there is a moderate physicochemical difference between glutamine and leucine.